The following is an entry in ClinVar:

NM_020347.4(LZTFL1):c.371C>A (p.Ser124Tyr)

Gene: LZTFL1 (leucine zipper transcription factor like 1; minus strand). Cytogenetic location: 3p21.31.
Variant type: single nucleotide variant.
Coding change: c.371C>A on transcript NM_020347.4 (MANE Select); coding-DNA position 371, C replaced by A.
Protein change: p.Ser124Tyr; replaces serine 124 with tyrosine.
Molecular consequence: missense variant. On other transcripts: non-coding transcript variant (1).
Genome position (GRCh38, 1-based): chr3:45,834,251, G>T on the plus strand (C>A on the coding strand, the complement: LZTFL1 is on the minus strand). VCF-style: chr3-45834251-G-T. GRCh37 (hg19) VCF-style: chr3-45875743-G-T.
Other names: c.371C>A (NM_020347.3, NM_020347.2); c.320C>A, p.Ser107Tyr (NM_001276378.2, NM_001386451.1); c.359C>A, p.Ser120Tyr (NM_001276379.2); c.371C>A, p.Ser124Tyr (NM_001386452.1); short protein forms S107Y, S120Y, S124Y.
Identifiers: ClinVar variation 1497095 (VCV001497095.10), dbSNP rs1361013160, ClinGen allele CA352451997.

ClinVar aggregate classification (germline): Uncertain significance. Review status: criteria provided, multiple submitters, no conflicts (2 of 4 stars). 3 submissions from 3 submitters: Uncertain significance (3). Last evaluated 2024-12-03.

Conditions:
LZTFL1-related disorder. Also called: LZTFL1-related condition.
Inborn genetic diseases. Identifiers: MedGen C0950123, MeSH D030342.

Allele frequency attached by ClinVar (database versions not stated): gnomAD 0.00001; gnomAD exomes 0.00001; TOPMed 0.00001.
gnomAD v4.1: 12 of 1,592,392 alleles (0.00075%); highest among the groups gnomAD compares: African/African-American, 0.0013%; no homozygotes.

Submissions (3):

PreventionGenetics, part of Exact Sciences
Classification: Uncertain significance for LZTFL1-related condition. Last evaluated: 2024-12-03. Review status: criteria provided, single submitter. Criteria: ACMG Guidelines, 2015. Collection method: clinical testing. Allele origin: germline.
Comment: The LZTFL1 c.371C>A variant is predicted to result in the amino acid substitution p.Ser124Tyr. To our knowledge, this variant has not been reported in the literature or in a large population database (gnomAD), indicating this variant is rare. At this time, the clinical significance of this variant is uncertain due to the absence of conclusive functional and genetic evidence.

Ambry Genetics
Classification: Uncertain significance for Inborn genetic diseases. Last evaluated: 2023-03-01. Review status: criteria provided, single submitter. Criteria: Ambry Variant Classification Scheme 2023. Collection method: clinical testing. Allele origin: germline.

Labcorp Genetics (formerly Invitae), Labcorp
Classification: Uncertain significance. Last evaluated: 2021-04-11. Review status: criteria provided, single submitter. Criteria: Invitae Variant Classification Sherloc (09022015). Collection method: clinical testing. Allele origin: germline.
Comment: This variant has not been reported in the literature in individuals with LZTFL1-related conditions. Algorithms developed to predict the effect of missense changes on protein structure and function are either unavailable or do not agree on the potential impact of this missense change (SIFT: "Deleterious"; PolyPhen-2: "Probably Damaging"; Align-GVGD: "Class C15"). In summary, the available evidence is currently insufficient to determine the role of this variant in disease. Therefore, it has been classified as a Variant of Uncertain Significance. This variant is not present in population databases (ExAC no frequency). This sequence change replaces serine with tyrosine at codon 124 of the LZTFL1 protein (p.Ser124Tyr). The serine residue is highly conserved and there is a large physicochemical difference between serine and tyrosine.